The following is an entry in ClinVar:

NM_152703.5(SAMD9L):c.4621G>C (p.Glu1541Gln)

Gene: SAMD9L (sterile alpha motif domain containing 9 like; minus strand). Cytogenetic location: 7q21.2.
Variant type: single nucleotide variant.
Coding change: c.4621G>C on transcript NM_152703.5 (MANE Select); coding-DNA position 4621, G replaced by C.
Protein change: p.Glu1541Gln; replaces glutamic acid 1541 with glutamine.
Molecular consequence: missense variant.
Genome position (GRCh38, 1-based): chr7:93,131,351, C>G on the plus strand (G>C on the coding strand, the complement: SAMD9L is on the minus strand). VCF-style: chr7-93131351-C-G. GRCh37 (hg19) VCF-style: chr7-92760664-C-G.
Other names: c.4621G>C, p.Glu1541Gln (NM_001303496.3, NM_001303497.3, NM_001303498.3 and 5 more transcripts); c.4621G>C (NM_152703.2); short protein forms E1541Q.
Identifiers: ClinVar variation 1476631 (VCV001476631.10), dbSNP rs2116468021, ClinGen allele CA368170527.

ClinVar aggregate classification (germline): Uncertain significance. Review status: criteria provided, multiple submitters, no conflicts (2 of 4 stars). 2 submissions from 2 submitters: Uncertain significance (2). Last evaluated 2025-08-29.

Conditions:
Inborn genetic diseases. Identifiers: MedGen C0950123, MeSH D030342.

Allele frequency attached by ClinVar (database versions not stated): gnomAD exomes 0.00001.
gnomAD v4.1: 8 of 1,613,570 alleles (0.0005%); highest among the groups gnomAD compares: Admixed American, 0.012%; no homozygotes.

Submissions (2):

Ambry Genetics
Classification: Uncertain significance for Inborn genetic diseases. Last evaluated: 2025-08-29. Review status: criteria provided, single submitter. Criteria: Ambry Variant Classification Scheme 2023. Collection method: clinical testing. Allele origin: germline.
Comment: The p.E1541Q variant (also known as c.4621G>C), located in coding exon 1 of the SAMD9L gene, results from a G to C substitution at nucleotide position 4621. The glutamic acid at codon 1541 is replaced by glutamine, an amino acid with highly similar properties. This amino acid position is conserved. In addition, this alteration is predicted to be tolerated by in silico analysis. Based on the available evidence, the clinical significance of this variant remains unclear.

Labcorp Genetics (formerly Invitae), Labcorp
Classification: Uncertain significance. Last evaluated: 2025-06-03. Review status: criteria provided, single submitter. Criteria: Invitae Variant Classification Sherloc (09022015). Collection method: clinical testing. Allele origin: germline.
Comment: This sequence change replaces glutamic acid, which is acidic and polar, with glutamine, which is neutral and polar, at codon 1541 of the SAMD9L protein (p.Glu1541Gln). This variant is not present in population databases (gnomAD no frequency). This variant has not been reported in the literature in individuals affected with SAMD9L-related conditions. ClinVar contains an entry for this variant (Variation ID: 1476631). Invitae Evidence Modeling of protein sequence and biophysical properties (such as structural, functional, and spatial information, amino acid conservation, physicochemical variation, residue mobility, and thermodynamic stability) indicates that this missense variant is not expected to disrupt SAMD9L protein function with a negative predictive value of 80%. In summary, the available evidence is currently insufficient to determine the role of this variant in disease. Therefore, it has been classified as a Variant of Uncertain Significance.